The following is an entry in ClinVar:

ClinVar aggregate classification (germline): Uncertain significance (1 of 4 stars; one submission).

Conditions:
Oculofaciocardiodental syndrome (MCOPS2). Identifiers: Orphanet 2712, MedGen C1846265, MONDO:0010261, OMIM 300166.

gnomAD v4.1: 1 of 1,177,579 alleles (0.000085%); highest among the groups gnomAD compares: Non-Finnish European, 0.00011%; no homozygotes.

Submission:

Labcorp Genetics (formerly Invitae), Labcorp
Classification: Uncertain significance for Oculofaciocardiodental syndrome. Last evaluated: 2025-08-27. Review status: criteria provided, single submitter. Criteria: Invitae Variant Classification Sherloc (09022015). Collection method: clinical testing. Allele origin: germline.
Comment: This sequence change replaces alanine, which is neutral and non-polar, with valine, which is neutral and non-polar, at codon 1273 of the BCOR protein (p.Ala1273Val). This variant is not present in population databases (gnomAD no frequency). This variant has not been reported in the literature in individuals affected with BCOR-related conditions. ClinVar contains an entry for this variant (Variation ID: 3706275). An algorithm developed to predict the effect of missense changes on protein structure and function (PolyPhen-2) suggests that this variant is likely to be tolerated. In summary, the available evidence is currently insufficient to determine the role of this variant in disease. Therefore, it has been classified as a Variant of Uncertain Significance.

NM_001123385.2(BCOR):c.3920C>T (p.Ala1307Val)

Gene: BCOR (BCL6 corepressor; minus strand). Cytogenetic location: Xp11.4.
Variant type: single nucleotide variant.
Coding change: c.3920C>T on transcript NM_001123385.2 (MANE Select); coding-DNA position 3920, C replaced by T.
Protein change: p.Ala1307Val; replaces alanine 1307 with valine.
Molecular consequence: missense variant.
Genome position (GRCh38, 1-based): chrX:40,062,999, G>A on the plus strand (C>T on the coding strand, the complement: BCOR is on the minus strand). VCF-style: chrX-40062999-G-A. GRCh37 (hg19) VCF-style: chrX-39922252-G-A.
Other names: c.3818C>T, p.Ala1273Val (NM_001123383.2, NM_017745.6); c.3764C>T, p.Ala1255Val (NM_001123384.2); short protein forms A1255V, A1273V, A1307V.
Identifiers: ClinVar variation 3706275 (VCV003706275.2).
Genomic context (GRCh38, chrX:40,062,999, plus strand): 5'-TTTTCTTTAATTTTCTGCTGTTTGGCAGGCGGCCTGGAGGCTGGTGCGCAGCTTGGCTGA[G>A]CCTGCTTTTTGCCGCCTGCACTGGTGGATGAAAGACTCTTCATGGGCGGAGAGCCGGAGA-3'
Protein context (NP_001116857.1, residues 1297-1317): SSTSAGGKKQ[Ala1307Val]QPSCAPASRP